The following is an entry in ClinVar:

NM_001267550.2(TTN):c.20924C>T (p.Pro6975Leu)

Genes: TTN (titin; minus strand), LOC126806428 (BRD4-independent group 4 enhancer GRCh37_chr2:179588362-179589561; plus strand). Cytogenetic location: 2q31.2.
Variant type: single nucleotide variant.
Coding change: c.20924C>T on transcript NM_001267550.2 (MANE Select); coding-DNA position 20924, C replaced by T.
Protein change: p.Pro6975Leu; replaces proline 6975 with leucine.
Molecular consequence: missense variant. On other transcripts: intron variant (3).
Genome position (GRCh38, 1-based): chr2:178,724,451, G>A on the plus strand (C>T on the coding strand, the complement: TTN is on the minus strand). VCF-style: chr2-178724451-G-A. GRCh37 (hg19) VCF-style: chr2-179589178-G-A.
Other names: p.P5731L:CCG>CTG; c.19973C>T, p.Pro6658Leu (NM_001256850.1); c.17192C>T, p.Pro5731Leu (NM_133378.4); c.13282+13631C>T (NM_003319.4); c.13858+13631C>T (NM_133437.4); c.13657+13631C>T (NM_133432.3); short protein forms P5731L, P6975L, P6658L.
Identifiers: ClinVar variation 202354 (VCV000202354.8), dbSNP rs374493881, ClinGen allele CA309188.
Genomic context (GRCh38, chr2:178,724,451, plus strand): 5'-TTGTGTTTTTGGCTGCTGGTCAACAGCTTTCCATCCTTGTACCATTCAACAGAGAGTTCC[G>A]GAGTGCCAGCCACCTTACACTCCAGAGTGCACGTTTCTCCTACAGTCACCGTCATCGGTC-3'
Protein context (NP_001254479.2, residues 6965-6985): CTLECKVAGT[Pro6975Leu]ELSVEWYKDG

ClinVar aggregate classification (germline): Conflicting classifications of pathogenicity. Review status: criteria provided, conflicting classifications (1 of 4 stars). 3 submissions from 3 submitters: Uncertain significance (2); Likely benign (1). Last evaluated 2026-07-30.

Conditions:
TTN-related disorder. Also called: TTN-related disorders; TTN-related condition; TTN-related disease.

Allele frequency attached by ClinVar (database versions not stated): gnomAD 0.00006 and 0.00007; TOPMed 0.00006; gnomAD exomes 0.00003 and 0.00002; ExAC 0.00004; ESP Exome Variant Server 0.00008.
gnomAD v4.1: 41 of 1,613,184 alleles (0.0025%); highest among the groups gnomAD compares: African/African-American, 0.024%; no homozygotes.

Submissions (3):

PreventionGenetics, part of Exact Sciences
Classification: Uncertain significance for TTN-related condition. Last evaluated: 2026-07-30. Review status: criteria provided, single submitter. Criteria: ACMG Guidelines, 2015. Collection method: clinical testing. Allele origin: germline.
Comment: The TTN c.20924C>T variant is predicted to result in the amino acid substitution p.Pro6975Leu. To our knowledge, this variant has not been reported in the literature. This variant is reported in 0.019% of alleles in individuals of African descent in gnomAD. At this time, the clinical significance of this variant is uncertain due to the absence of conclusive functional and genetic evidence.

Revvity Omics, Revvity
Classification: Uncertain significance. Last evaluated: 2023-04-25. Review status: criteria provided, single submitter. Criteria: ACMG Guidelines, 2015. Collection method: clinical testing. Allele origin: germline.

GeneDx
Classification: Likely benign. Last evaluated: 2018-04-06. Review status: criteria provided, single submitter. Criteria: GeneDx Variant Classification Process June 2021. Collection method: clinical testing. Allele origin: germline. Affected: yes.